The following is an entry in ClinVar:

ClinVar aggregate classification (germline): Uncertain significance (1 of 4 stars; one submission).

Submission:

Labcorp Genetics (formerly Invitae), Labcorp
Classification: Uncertain significance. Last evaluated: 2025-12-24. Review status: criteria provided, single submitter. Criteria: Invitae Variant Classification Sherloc (09022015). Collection method: clinical testing. Allele origin: germline.
Comment: This sequence change replaces glutamine, which is neutral and polar, with arginine, which is basic and polar, at codon 131 of the ZEB1 protein (p.Gln131Arg). This variant is not present in population databases (gnomAD no frequency). This variant has not been reported in the literature in individuals affected with ZEB1-related conditions. Invitae Evidence Modeling of protein sequence and biophysical properties (such as structural, functional, and spatial information, amino acid conservation, physicochemical variation, residue mobility, and thermodynamic stability) indicates that this missense variant is not expected to disrupt ZEB1 protein function with a negative predictive value of 80%. In summary, the available evidence is currently insufficient to determine the role of this variant in disease. Therefore, it has been classified as a Variant of Uncertain Significance.

NM_001174096.2(ZEB1):c.395A>G (p.Gln132Arg)

Gene: ZEB1 (zinc finger E-box binding homeobox 1; plus strand). Cytogenetic location: 10p11.22.
Variant type: single nucleotide variant.
Coding change: c.395A>G on transcript NM_001174096.2 (MANE Select); coding-DNA position 395, A replaced by G.
Protein change: p.Gln132Arg; replaces glutamine 132 with arginine.
Molecular consequence: missense variant. On other transcripts: 5 prime UTR variant (30), intron variant (3).
Genome position (GRCh38, 1-based): chr10:31,502,420, A>G. VCF-style: chr10-31502420-A-G. GRCh37 (hg19) VCF-style: chr10-31791348-A-G.
Other names: c.344A>G, p.Gln115Arg (NM_001128128.3); c.332A>G, p.Gln111Arg (NM_001174093.2); c.341A>G, p.Gln114Arg (NM_001174094.2); c.191A>G, p.Gln64Arg (NM_001174095.2); c.-263A>G (NM_001323638.2, NM_001323641.2, NM_001323642.2 and 27 more transcripts); c.353A>G, p.Gln118Arg (NM_001323676.2); c.350A>G, p.Gln117Arg (NM_001323677.2); c.392A>G, p.Gln131Arg (NM_030751.6); and 3 more; short protein forms Q115R, Q114R, Q132R, Q111R, Q117R, Q118R, Q131R, Q64R.
Identifiers: ClinVar variation 4745084 (VCV004745084.1).